The following is an entry in ClinVar:

NM_004260.4(RECQL4):c.1525T>C (p.Ser509Pro)

Gene: RECQL4 (RecQ like helicase 4; minus strand). Cytogenetic location: 8q24.3.
Variant type: single nucleotide variant.
Coding change: c.1525T>C on transcript NM_004260.4 (MANE Select); coding-DNA position 1525, T replaced by C.
Protein change: p.Ser509Pro; replaces serine 509 with proline.
Molecular consequence: missense variant. On other transcripts: non-coding transcript variant (3).
Genome position (GRCh38, 1-based): chr8:144,515,031, A>G on the plus strand (T>C on the coding strand, the complement: RECQL4 is on the minus strand). VCF-style: chr8-144515031-A-G. GRCh37 (hg19) VCF-style: chr8-145740415-A-G.
Other names: c.1429T>C, p.Ser477Pro (NM_001413017.1, NM_001413020.1); c.1525T>C, p.Ser509Pro (NM_001413018.1, NM_001413019.1, NM_001413033.1 and 1 more transcripts); c.454T>C, p.Ser152Pro (NM_001413021.1, NM_001413022.1, NM_001413023.1 and 7 more transcripts); c.1396T>C, p.Ser466Pro (NM_001413025.1); c.388T>C, p.Ser130Pro (NM_001413027.1, NM_001413030.1, NM_001413031.1 and 2 more transcripts); c.1174T>C, p.Ser392Pro (NM_001413029.1); c.1495T>C, p.Ser499Pro (NM_001413039.1); c.424T>C, p.Ser142Pro (NM_001413042.1); and 1 more; short protein forms S142P, S392P, S477P, S499P, S130P, S152P, S20P, S466P.
Identifiers: ClinVar variation 3788069 (VCV003788069.1).

ClinVar aggregate classification (germline): Uncertain significance (1 of 4 stars; one submission).

Conditions:
Inborn genetic diseases. Identifiers: MedGen C0950123, MeSH D030342.

Submission:

Ambry Genetics
Classification: Uncertain significance for Inborn genetic diseases. Last evaluated: 2025-03-02. Review status: criteria provided, single submitter. Criteria: Ambry Variant Classification Scheme 2023. Collection method: clinical testing. Allele origin: germline.
Comment: The p.S509P variant (also known as c.1525T>C), located in coding exon 9 of the RECQL4 gene, results from a T to C substitution at nucleotide position 1525. The serine at codon 509 is replaced by proline, an amino acid with similar properties. This amino acid position is conserved. In addition, this alteration is predicted to be deleterious by in silico analysis. Based on the available evidence, the clinical significance of this variant remains unclear.